The following is an entry in ClinVar:

NM_001278512.2(AP3B2):c.1054A>C (p.Ser352Arg)

Genes: AP3B2 (adaptor related protein complex 3 subunit beta 2; minus strand), CPEB1-AS1 (CPEB1 antisense RNA 1; plus strand). Cytogenetic location: 15q25.2.
Variant type: single nucleotide variant.
Coding change: c.1054A>C on transcript NM_001278512.2 (MANE Select); coding-DNA position 1054, A replaced by C.
Protein change: p.Ser352Arg; replaces serine 352 with arginine.
Molecular consequence: missense variant.
Genome position (GRCh38, 1-based): chr15:82,680,473, T>G on the plus strand (A>C on the coding strand, the complement: AP3B2 is on the minus strand). VCF-style: chr15-82680473-T-G. GRCh37 (hg19) VCF-style: chr15-83349225-T-G.
Other names: c.958A>C, p.Ser320Arg (NM_001278511.2); c.1054A>C, p.Ser352Arg (NM_004644.5); short protein forms S320R, S352R.
Identifiers: ClinVar variation 1442482 (VCV001442482.5), dbSNP rs1433929710, ClinGen allele CA393318433.

ClinVar aggregate classification (germline): Uncertain significance (1 of 4 stars; one submission).

gnomAD v4.1: 4 of 1,497,872 alleles (0.00027%); highest among the groups gnomAD compares: Non-Finnish European, 0.00036%; no homozygotes.

Submission:

Labcorp Genetics (formerly Invitae), Labcorp
Classification: Uncertain significance. Last evaluated: 2022-08-04. Review status: criteria provided, single submitter. Criteria: Invitae Variant Classification Sherloc (09022015). Collection method: clinical testing. Allele origin: germline.
Comment: This sequence change replaces serine, which is neutral and polar, with arginine, which is basic and polar, at codon 352 of the AP3B2 protein (p.Ser352Arg). In summary, the available evidence is currently insufficient to determine the role of this variant in disease. Therefore, it has been classified as a Variant of Uncertain Significance. Algorithms developed to predict the effect of sequence changes on RNA splicing suggest that this variant may create or strengthen a splice site. Algorithms developed to predict the effect of missense changes on protein structure and function (SIFT, PolyPhen-2, Align-GVGD) all suggest that this variant is likely to be tolerated. ClinVar contains an entry for this variant (Variation ID: 1442482). This variant has not been reported in the literature in individuals affected with AP3B2-related conditions. This variant is not present in population databases (gnomAD no frequency).